The following is an entry in ClinVar:

ClinVar aggregate classification (germline): Benign. Review status: criteria provided, multiple submitters, no conflicts (2 of 4 stars). 4 submissions from 4 submitters: Benign (4). Last evaluated 2024-07-15.

Conditions:
Autosomal recessive Alport syndrome (ATS2). Also called: COL4A4 Alport Syndrome and Thin Basement Membrane Nephropathy; COL4A3-Related Nephropathy; Alport syndrome type 2; ALPORT SYNDROME 2, AUTOSOMAL RECESSIVE. Identifiers: Orphanet 63, Orphanet 88919, MedGen C4746745, MONDO:0008762, OMIM 203780.

Allele frequency attached by ClinVar (database versions not stated): TOPMed 0.76808; gnomAD 0.77016 and 0.77430; ESP Exome Variant Server 0.77253; 1000 Genomes Project 30x 0.77686; 1000 Genomes Project 0.78694; ExAC 0.81277; gnomAD exomes 0.81537.
gnomAD v4.1: 1,210,720 of 1,491,480 alleles (81%); highest among the groups gnomAD compares: East Asian, 93%; 492,651 homozygotes.

Submissions (4):

Unidad de Genómica Garrahan, Hospital de Pediatría Garrahan
Classification: Benign. Last evaluated: 2024-07-15. Review status: criteria provided, single submitter. Criteria: ACMG Guidelines, 2015. Collection method: clinical testing. Allele origin: germline. Affected: no. Observed: 90 variant alleles.
Comment: This variant is classified as Benign based on local population frequency. This variant was detected in 97% of patients studied in a panel designed for Epileptic and Developmental Encephalopathy and Progressive Myoclonus Epilepsy. Number of patients: 90. Only high quality variants are reported.

Genome-Nilou Lab
Classification: Benign for Autosomal recessive Alport syndrome. Last evaluated: 2021-06-10. Review status: criteria provided, single submitter. Criteria: ACMG Guidelines, 2015. Collection method: clinical testing. Allele origin: germline. Affected: no.

GeneDx
Classification: Benign. Last evaluated: 2018-06-22. Review status: criteria provided, single submitter. Criteria: GeneDx Variant Classification Process June 2021. Collection method: clinical testing. Allele origin: germline. Affected: yes.

Breakthrough Genomics
Classification: Benign. Review status: criteria provided, single submitter. Criteria: ACMG Guidelines, 2015. Collection method: not provided. Allele origin: germline. Inheritance: Autosomal recessive inheritance. Affected: yes.

NM_000091.5(COL4A3):c.765+49T>G

Genes: COL4A3 (collagen type IV alpha 3 chain; plus strand), MFF-DT (MFF divergent transcript; minus strand). Cytogenetic location: 2q36.3.
Variant type: single nucleotide variant.
Coding change: c.765+49T>G on transcript NM_000091.5 (MANE Select); 49 bases into the intron after coding-DNA position 765, T replaced by G.
Molecular consequence: intron variant.
Genome position (GRCh38, 1-based): chr2:227,253,687, T>G. VCF-style: chr2-227253687-T-G. GRCh37 (hg19) VCF-style: chr2-228118403-T-G.
Identifiers: ClinVar variation 1172971 (VCV001172971.8), dbSNP rs12621551, ClinGen allele CA2146354.
Genomic context (GRCh38, chr2:227,253,687, plus strand): 5'-GATAACAGAACGGTAACTCTGCGATTTTATGATTAGTGTTGTGCCTTCCCGTGTCTAGGA[T>G]GAAGTCCTTGTGACCCTGCACCTCTTTTACAAGCTCTTGTTATCTAAGTCCAGCTCAGCC-3'